The following is an entry in ClinVar:

NM_001005361.3(DNM2):c.63C>T (p.Ser21=)

Genes: DNM2 (dynamin 2; plus strand), LOC130063529 (ATAC-STARR-seq lymphoblastoid silent region 10090; plus strand). Cytogenetic location: 19p13.2.
Variant type: single nucleotide variant.
Coding change: c.63C>T on transcript NM_001005361.3 (MANE Select); coding-DNA position 63, C replaced by T.
Protein change: p.Ser21=; no amino-acid change (serine 21 retained).
Molecular consequence: synonymous variant.
Genome position (GRCh38, 1-based): chr19:10,718,305, C>T. VCF-style: chr19-10718305-C-T. GRCh37 (hg19) VCF-style: chr19-10828981-C-T.
Other names: c.63C>T (NM_001005360.2); c.63C>T, p.Ser21= (NM_001005360.3, NM_001005362.3, NM_001190716.2 and 1 more transcripts).
Identifiers: ClinVar variation 1091743 (VCV001091743.10), dbSNP rs763443182, ClinGen allele CA9200675.
Genomic context (GRCh38, chr19:10,718,305, plus strand): 5'-GGGCAACCGCGGGATGGAAGAGCTGATCCCGCTGGTCAACAAACTGCAGGACGCCTTCAG[C>T]TCCATCGGCCAGAGCTGCCACCTGGACCTGCCGCAGATCGCTGTAGTGGGCGGCCAGAGC-3'
Protein context (NP_001005361.1, residues 11-31): PLVNKLQDAF[Ser21=]SIGQSCHLDL

ClinVar aggregate classification (germline): Likely benign. Review status: criteria provided, multiple submitters, no conflicts (2 of 4 stars). 2 submissions from 2 submitters: Likely benign (2). Last evaluated 2026-08-25.

Conditions:
Charcot-Marie-Tooth disease dominant intermediate B (CMTDIB). Also called: Charcot-Marie-Tooth disease dominant intermediate 1; CMT DI1; Charcot-Marie-Tooth disease dominant intermediate I; CHARCOT-MARIE-TOOTH NEUROPATHY, DOMINANT INTERMEDIATE B. Identifiers: Orphanet 100044, Orphanet 228179, MedGen C1847902, MONDO:0011674, OMIM 606482.
DNM2-related disorder. Also called: DNM2-related condition.

Allele frequency attached by ClinVar (database versions not stated): gnomAD exomes below 0.00001; gnomAD 0.00001; TOPMed 0.00002.
gnomAD v4.1: 6 of 1,510,366 alleles (0.0004%); highest among the groups gnomAD compares: Admixed American, 0.0087%; no homozygotes.

Submissions (2):

PreventionGenetics, part of Exact Sciences
Classification: Likely benign for DNM2-related condition. Last evaluated: 2026-08-25. Review status: criteria provided, single submitter. Criteria: ACMG Guidelines, 2015. Collection method: clinical testing. Allele origin: germline.
Comment: This variant is classified as likely benign based on ACMG/AMP sequence variant interpretation guidelines (Richards et al. 2015 PMID: 25741868, with internal and published modifications).

Labcorp Genetics (formerly Invitae), Labcorp
Classification: Likely benign for Charcot-Marie-Tooth disease dominant intermediate B. Last evaluated: 2024-02-11. Review status: criteria provided, single submitter. Criteria: Invitae Variant Classification Sherloc (09022015). Collection method: clinical testing. Allele origin: germline.